The following is an entry in ClinVar:

ClinVar aggregate classification (germline): Uncertain significance. Review status: criteria provided, multiple submitters, no conflicts (2 of 4 stars). 2 submissions from 2 submitters: Uncertain significance (2). Last evaluated 2025-08-19.

Conditions:
Hereditary cancer-predisposing syndrome. Also called: Neoplastic Syndromes, Hereditary; Hereditary Cancer Syndrome; Tumor predisposition; Hereditary neoplastic syndrome. Identifiers: Orphanet 140162, MedGen C0027672, MeSH D009386, MONDO:0015356.
Parathyroid carcinoma (PRTC). Also called: CDC73-Related Parathyroid Carcinoma; Parathyroid gland carcinoma. Identifiers: Orphanet 143, MedGen C0687150, MONDO:0012004, OMIM 608266, HP:0006780.

Submissions (2):

Ambry Genetics
Classification: Uncertain significance for Hereditary cancer-predisposing syndrome. Last evaluated: 2025-08-19. Review status: criteria provided, single submitter. Criteria: Ambry Variant Classification Scheme 2023. Collection method: clinical testing. Allele origin: germline.
Comment: The c.782_784delAAG variant (also known as p.E261del) is located in coding exon 8 of the CDC73 gene. This variant results from an in-frame AAG deletion at nucleotide positions 782 to 784. This results in the in-frame deletion of a glutamic acid at codon 261. In addition, this variant is predicted to be deleterious by in silico analysis (Choi Y et al. PLoS ONE. 2012; 7(10):e46688). Based on the available evidence, the clinical significance of this variant remains unclear.

Labcorp Genetics (formerly Invitae), Labcorp
Classification: Uncertain significance for Parathyroid carcinoma. Last evaluated: 2025-07-22. Review status: criteria provided, single submitter. Criteria: Invitae Variant Classification Sherloc (09022015). Collection method: clinical testing. Allele origin: germline.
Comment: This variant, c.782_784del, results in the deletion of 1 amino acid(s) of the CDC73 protein (p.Glu261del), but otherwise preserves the integrity of the reading frame. This variant is not present in population databases (gnomAD no frequency). This variant has not been reported in the literature in individuals affected with CDC73-related conditions. Experimental studies and prediction algorithms are not available or were not evaluated, and the functional significance of this variant is currently unknown. In summary, the available evidence is currently insufficient to determine the role of this variant in disease. Therefore, it has been classified as a Variant of Uncertain Significance.

NM_024529.5(CDC73):c.779AAG[1] (p.Glu261del)

Gene: CDC73 (cell division cycle 73; plus strand). Cytogenetic location: 1q31.2.
Variant type: Microsatellite.
Coding change: c.779AAG[1] on transcript NM_024529.5 (MANE Select); one copy of the 3-base unit AAG starting at c.779; the reference has two copies in a row; one copy, 3 bases deleted.
Protein change: p.Glu261del; deletes glutamic acid 261.
Molecular consequence: inframe deletion. On other transcripts: inframe indel (1).
Genome position (GRCh38, 1-based): chr1:193,147,919-193,147,921, AAG deleted; deleting any 3 consecutive bases within chr1:193,147,914-193,147,921 gives the same sequence; the position shown is the placement nearest the transcript's 3' end. VCF-style (leftmost placement, unchanged base first): chr1-193147913-GAGA-G. GRCh37 (hg19) VCF-style: chr1-193117043-GAGA-G.
Other names: c.779_781AAG[1], p.Glu261del (NM_024529.4); c.782_784delAAG (NM_024529.4); short protein forms E261del.
Identifiers: ClinVar variation 2067394 (VCV002067394.5), dbSNP rs1676029521, ClinGen allele CA1010605331.